The following is an entry in ClinVar:

NM_001379286.1(ZNF423):c.829G>A (p.Glu277Lys)

Gene: ZNF423 (zinc finger protein 423; minus strand). Cytogenetic location: 16q12.1.
Variant type: single nucleotide variant.
Coding change: c.829G>A on transcript NM_001379286.1 (MANE Select); coding-DNA position 829, G replaced by A.
Protein change: p.Glu277Lys; replaces glutamic acid 277 with lysine.
Molecular consequence: missense variant.
Genome position (GRCh38, 1-based): chr16:49,638,347, C>T on the plus strand (G>A on the coding strand, the complement: ZNF423 is on the minus strand). VCF-style: chr16-49638347-C-T. GRCh37 (hg19) VCF-style: chr16-49672258-C-T.
Other names: c.625G>A, p.Glu209Lys (NM_001271620.2); c.454G>A, p.Glu152Lys (NM_001330533.2); c.805G>A, p.Glu269Lys (NM_015069.5); short protein forms E152K, E209K, E269K, E277K.
Identifiers: ClinVar variation 1378759 (VCV001378759.3), dbSNP rs745876102, ClinGen allele CA8046815.
Genomic context (GRCh38, chr16:49,638,347, plus strand): 5'-GCTGCGGGTGGCGGGTGAGCACGTGCTTCTCCAGCTCCTCCGTCTGGCTGAAGGTGTCCT[C>T]GCAGTAGTCGCACATGAAGTCGTCCTTCTTGGCTTCCTTCTCCGACTTGGCCAGATGCTC-3'
Protein context (NP_001366215.1, residues 267-287): KKDDFMCDYC[Glu277Lys]DTFSQTEELE

ClinVar aggregate classification (germline): Uncertain significance (1 of 4 stars; one submission).

Conditions:
Nephronophthisis 14 (NPHP14). Identifiers: Orphanet 2318, MedGen C3539071, MONDO:0013916, OMIM 614844.

Allele frequency attached by ClinVar (database versions not stated): ExAC 0.00001; gnomAD exomes 0.00001.
gnomAD v4.1: 11 of 1,614,082 alleles (0.00068%); highest among the groups gnomAD compares: Non-Finnish European, 0.00093%; no homozygotes.

Submission:

Labcorp Genetics (formerly Invitae), Labcorp
Classification: Uncertain significance for Nephronophthisis 14. Last evaluated: 2021-11-18. Review status: criteria provided, single submitter. Criteria: Invitae Variant Classification Sherloc (09022015). Collection method: clinical testing. Allele origin: germline.
Comment: This sequence change replaces glutamic acid, which is acidic and polar, with lysine, which is basic and polar, at codon 269 of the ZNF423 protein (p.Glu269Lys). This variant is present in population databases (rs745876102, gnomAD 0.002%). This variant has not been reported in the literature in individuals affected with ZNF423-related conditions. Algorithms developed to predict the effect of missense changes on protein structure and function are either unavailable or do not agree on the potential impact of this missense change (SIFT: "Deleterious"; PolyPhen-2: "Probably Damaging"; Align-GVGD: "Class C0"). In summary, the available evidence is currently insufficient to determine the role of this variant in disease. Therefore, it has been classified as a Variant of Uncertain Significance.